The following is an entry in ClinVar:

ClinVar aggregate classification (germline): Conflicting classifications of pathogenicity. Review status: criteria provided, conflicting classifications (1 of 4 stars). 7 submissions from 7 submitters: Uncertain significance (2); Likely benign (3). 2 of the submissions do not count toward it. Last evaluated 2025-12-16.

Conditions:
CSPP1-related disorder. Also called: CSPP1-related condition.
Inborn genetic diseases. Identifiers: MedGen C0950123, MeSH D030342.
Joubert syndrome 21 (JBTS21). Identifiers: MedGen C3810212, MONDO:0014288, OMIM 615636.

Allele frequency attached by ClinVar (database versions not stated): 1000 Genomes Project 30x 0.00031; 1000 Genomes Project 0.00040; ExAC 0.00086; gnomAD 0.00087 and 0.00096; gnomAD exomes 0.00094 and 0.00172; TOPMed 0.00107; ESP Exome Variant Server 0.00110.
gnomAD v4.1: 2,634 of 1,602,522 alleles (0.16%); highest among the groups gnomAD compares: Non-Finnish European, 0.21%; 4 homozygotes.

Submissions (7):

Ambry Genetics
Classification: Likely benign for Inborn genetic diseases. Last evaluated: 2025-12-16. Review status: criteria provided, single submitter. Criteria: Ambry Variant Classification Scheme 2023. Collection method: clinical testing. Allele origin: germline.

GeneDx
Classification: Uncertain significance. Last evaluated: 2025-09-09. Review status: criteria provided, single submitter. Criteria: GeneDx Variant Classification Process June 2021. Collection method: clinical testing. Allele origin: germline. Affected: yes.
Comment: In silico analysis suggests that this missense variant does not alter protein structure/function; Has not been previously published as pathogenic or benign to our knowledge

Blueprint Genetics
Classification: Likely benign. Last evaluated: 2024-11-26. Review status: criteria provided, single submitter. Criteria: ACMG Guidelines, 2015. Collection method: clinical testing. Allele origin: germline.

CeGaT Center for Human Genetics Tuebingen
Classification: Likely benign. Last evaluated: 2024-04-01. Review status: criteria provided, single submitter. Criteria: CeGaT Center For Human Genetics Tuebingen Variant Classification Criteria Version 2. Collection method: clinical testing. Allele origin: germline. Affected: yes. Observed: 1 variant allele.
Comment: CSPP1: BP4

Labcorp Genetics (formerly Invitae), Labcorp
Classification: Uncertain significance for Joubert syndrome 21. Last evaluated: 2022-10-13. Review status: criteria provided, single submitter. Criteria: Invitae Variant Classification Sherloc (09022015). Collection method: clinical testing. Allele origin: germline.
Comment: This sequence change replaces valine, which is neutral and non-polar, with isoleucine, which is neutral and non-polar, at codon 560 of the CSPP1 protein (p.Val560Ile). This variant is present in population databases (rs199608505, gnomAD 0.2%), and has an allele count higher than expected for a pathogenic variant. This variant has not been reported in the literature in individuals affected with CSPP1-related conditions. ClinVar contains an entry for this variant (Variation ID: 449196). Algorithms developed to predict the effect of missense changes on protein structure and function output the following: SIFT: "Tolerated"; PolyPhen-2: "Benign"; Align-GVGD: "Class C0". The isoleucine amino acid residue is found in multiple mammalian species, which suggests that this missense change does not adversely affect protein function. In summary, the available evidence is currently insufficient to determine the role of this variant in disease. Therefore, it has been classified as a Variant of Uncertain Significance.

PreventionGenetics, part of Exact Sciences
Classification: Likely benign for CSPP1-related condition. Last evaluated: 2022-02-15. Review status: no assertion criteria provided. Collection method: clinical testing. Allele origin: germline. Not counted in ClinVar's aggregate classification.
Comment: This variant is classified as likely benign based on ACMG/AMP sequence variant interpretation guidelines (Richards et al. 2015 PMID: 25741868, with internal and published modifications).

Clinical Genetics DNA and cytogenetics Diagnostics Lab, Erasmus MC, Erasmus Medical Center
Classification: Uncertain significance. Review status: no assertion criteria provided. Collection method: clinical testing. Allele origin: germline. Affected: yes. Study: VKGL Data-share Consensus. Not counted in ClinVar's aggregate classification.

NM_001382391.1(CSPP1):c.1693G>A (p.Val565Ile)

Gene: CSPP1 (centrosome and spindle pole associated protein 1; plus strand). Cytogenetic location: 8q13.2.
Variant type: single nucleotide variant.
Coding change: c.1693G>A on transcript NM_001382391.1 (MANE Select); coding-DNA position 1693, G replaced by A.
Protein change: p.Val565Ile; replaces valine 565 with isoleucine.
Molecular consequence: missense variant.
Genome position (GRCh38, 1-based): chr8:67,118,817, G>A. VCF-style: chr8-67118817-G-A. GRCh37 (hg19) VCF-style: chr8-68031052-G-A.
Other names: c.796G>A, p.Val266Ile (NM_001291339.2); c.1612G>A, p.Val538Ile (NM_001363131.2); c.1651G>A, p.Val551Ile (NM_001363132.2); c.1570G>A, p.Val524Ile (NM_001363133.2); c.1759G>A, p.Val587Ile (NM_001364869.1); c.1579G>A, p.Val527Ile (NM_001364870.1); c.1678G>A, p.Val560Ile (NM_024790.7); short protein forms V560I, V266I, V527I, V538I, V551I, V524I, V587I, V565I.
Identifiers: ClinVar variation 449196 (VCV000449196.35), dbSNP rs199608505, ClinGen allele CA4770621.